The following is an entry in ClinVar:

ClinVar aggregate classification (germline): Pathogenic (1 of 4 stars; one submission).

Conditions:
Hemolytic uremic syndrome, atypical, susceptibility to, 1. Also called: AHUS, SUSCEPTIBILITY TO, 1. Identifiers: Orphanet 2134, Orphanet 90038, MedGen C2749604, MONDO:0009335, OMIM 235400. Disease mechanism: Other.

Submission:

3billion
Classification: Pathogenic for Hemolytic uremic syndrome, atypical, susceptibility to, 1. Last evaluated: 2025-03-13. Review status: criteria provided, single submitter. Criteria: ACMG Guidelines, 2015. Collection method: clinical testing. Allele origin: germline. Affected: yes.
Comment: The variant is observed at an extremely low frequency in the gnomAD v4.1.0 dataset (total allele frequency: 0.002%). Predicted Consequence/Location: Canonical splice site: predicted to alter splicing and result in a loss or disruption of normal protein function. Multiple pathogenic loss-of-function variants are reported downstream of the variant. The variant was homozygous. In silico tools predict the variant to alter splicing and produce an abnormal transcript [SpliceAI: 0.99 (spliceogenicity >=0.2, non-spliceogenicity <0.1)]. Therefore, this variant is classified as Pathogenic according to the recommendation of ACMG/AMP guideline.

NM_021023.6(CFHR3):c.613+3_613+6del

Gene: CFHR3 (complement factor H related 3; plus strand). Cytogenetic location: 1q31.3.
Variant type: Deletion.
Coding change: c.613+3_613+6del on transcript NM_021023.6 (MANE Select); bases 3 to 6 of the intron after coding-DNA position 613, 4 bases deleted (AAGT; older notation c.613+3_613+6delAAGT).
Molecular consequence: splice donor variant. On other transcripts: intron variant (1).
Genome position (GRCh38, 1-based): chr1:196,788,401-196,788,404, AAGT deleted; deleting any 4 consecutive bases within chr1:196,788,398-196,788,404 gives the same sequence; the c. name uses the placement nearest the transcript's 3' end. VCF-style (leftmost placement, unchanged base first): chr1-196788397-TAGTA-T. GRCh37 (hg19) VCF-style: chr1-196757527-TAGTA-T.
Other names: c.431-1644_431-1641del (NM_001166624.2).
Identifiers: ClinVar variation 4293094 (VCV004293094.1).